The following is an entry in ClinVar:

NM_053025.4(MYLK):c.4112G>A (p.Trp1371Ter)

Gene: MYLK (myosin light chain kinase; minus strand). Cytogenetic location: 3q21.1.
Variant type: single nucleotide variant.
Coding change: c.4112G>A on transcript NM_053025.4 (MANE Select); coding-DNA position 4112, G replaced by A.
Protein change: p.Trp1371Ter; replaces tryptophan 1371 with a stop codon.
Molecular consequence: nonsense.
Genome position (GRCh38, 1-based): chr3:123,657,302, C>T on the plus strand (G>A on the coding strand, the complement: MYLK is on the minus strand). VCF-style: chr3-123657302-C-T. GRCh37 (hg19) VCF-style: chr3-123376149-C-T.
Other names: c.3584G>A, p.Trp1195Ter (NM_001321309.2); c.3905G>A, p.Trp1302Ter (NM_053026.4, NM_053028.4); c.4112G>A, p.Trp1371Ter (NM_053027.4); short protein forms W1302*, W1371*, W1195*.
Identifiers: ClinVar variation 4749686 (VCV004749686.1).

ClinVar aggregate classification (germline): Pathogenic (1 of 4 stars; one submission).

Conditions:
Aortic aneurysm, familial thoracic 7 (AAT7). Also called: AORTIC DISSECTION, FAMILIAL, WITH OR WITHOUT AORTIC ANEURYSM. Identifiers: MedGen C3151077, MONDO:0013418, OMIM 613780.

Submission:

Labcorp Genetics (formerly Invitae), Labcorp
Classification: Pathogenic for Aortic aneurysm, familial thoracic 7. Last evaluated: 2025-08-06. Review status: criteria provided, single submitter. Criteria: Invitae Variant Classification Sherloc (09022015). Collection method: clinical testing. Allele origin: germline.
Comment: This sequence change creates a premature translational stop signal (p.Trp1371*) in the MYLK gene. This variant occurs within the aortic-specific isoform of MYLK. Loss-of-function variants in the aortic-specific isoform of MYLK are known to be pathogenic for thoracic aortic dissections (PMID: 21055718). This variant is not present in population databases (gnomAD no frequency). This variant has not been reported in the literature in individuals affected with MYLK-related conditions. For these reasons, this variant has been classified as Pathogenic.

Literature cited by the submitters: PubMed 21055718.